The following is an entry in ClinVar:

ClinVar aggregate classification (germline): Pathogenic (1 of 4 stars; one submission).

Conditions:
Familial cancer of breast. Also called: BREAST CANCER, FAMILIAL; Hereditary breast cancer; hereditary breast carcinoma. Identifiers: Orphanet 227535, MedGen C0346153, MONDO:0016419, OMIM 114480. Disease mechanism: loss of function.

Submission:

Myriad Genetics, Inc.
Classification: Pathogenic for Familial cancer of breast. Last evaluated: 2024-01-08. Review status: criteria provided, single submitter. Criteria: Myriad Autosomal Dominant, Autosomal Recessive and X-Linked Classification Criteria (2023). Collection method: clinical testing. Allele origin: unknown.
Comment: This variant is considered pathogenic. This variant creates a frameshift predicted to result in premature protein truncation.

NM_000051.4(ATM):c.242del (p.Asn81fs)

Gene: ATM (ATM serine/threonine kinase; plus strand). Cytogenetic location: 11q22.3.
Variant type: Deletion.
Coding change: c.242del on transcript NM_000051.4 (MANE Select); coding-DNA position 242, one base deleted (A; older notation c.242delA).
Protein change: p.Asn81fs; shifts the reading frame from asparagine 81.
Molecular consequence: frameshift variant.
Genome position (GRCh38, 1-based): chr11:108,229,234, A deleted; the last of 3 consecutive A bases (chr11:108,229,232-108,229,234); deleting any one gives the same sequence. VCF-style (leftmost placement, unchanged base first): chr11-108229231-CA-C. GRCh37 (hg19) VCF-style: chr11-108099958-CA-C.
Other names: c.242del, p.Asn81fs (NM_001351834.2, NM_001351835.2, NM_001351836.2); short protein forms N81fs.
Identifiers: ClinVar variation 3148275 (VCV003148275.1), dbSNP rs1591451795, ClinGen allele CA2825001744.